The following is an entry in ClinVar:

ClinVar aggregate classification (germline): Uncertain significance (1 of 4 stars; one submission).

Conditions:
2-aminoadipic 2-oxoadipic aciduria (AAKAD). Also called: ALPHA-AMINOADIPIC AND ALPHA-KETOADIPIC ACIDURIA; Aminoadipic aciduria. Identifiers: Orphanet 79154, MedGen C1859817, MONDO:0008774, OMIM 204750.

Allele frequency attached by ClinVar (database versions not stated): gnomAD exomes below 0.00001.
gnomAD v4.1: 1 of 1,614,140 alleles (0.000062%); highest among the groups gnomAD compares: Admixed American, 0.0017%; no homozygotes.

Submission:

Labcorp Genetics (formerly Invitae), Labcorp
Classification: Uncertain significance for 2-aminoadipic 2-oxoadipic aciduria. Last evaluated: 2023-07-12. Review status: criteria provided, single submitter. Criteria: Invitae Variant Classification Sherloc (09022015). Collection method: clinical testing. Allele origin: germline.
Comment: This sequence change replaces cysteine, which is neutral and slightly polar, with arginine, which is basic and polar, at codon 64 of the DHTKD1 protein (p.Cys64Arg). This variant is not present in population databases (gnomAD no frequency). This variant has not been reported in the literature in individuals affected with DHTKD1-related conditions. Algorithms developed to predict the effect of missense changes on protein structure and function output the following: SIFT: "Not Available"; PolyPhen-2: "Benign"; Align-GVGD: "Not Available". The arginine amino acid residue is found in multiple mammalian species, which suggests that this missense change does not adversely affect protein function. In summary, the available evidence is currently insufficient to determine the role of this variant in disease. Therefore, it has been classified as a Variant of Uncertain Significance.

NM_018706.7(DHTKD1):c.190T>C (p.Cys64Arg)

Gene: DHTKD1 (dehydrogenase E1 and transketolase domain containing 1; plus strand). Cytogenetic location: 10p14.
Variant type: single nucleotide variant.
Coding change: c.190T>C on transcript NM_018706.7 (MANE Select); coding-DNA position 190, T replaced by C.
Protein change: p.Cys64Arg; replaces cysteine 64 with arginine.
Molecular consequence: missense variant.
Genome position (GRCh38, 1-based): chr10:12,081,507, T>C. VCF-style: chr10-12081507-T-C. GRCh37 (hg19) VCF-style: chr10-12123506-T-C.
Other names: short protein forms C64R.
Identifiers: ClinVar variation 2791129 (VCV002791129.3), dbSNP rs1564389131, ClinGen allele CA376014389.
Genomic context (GRCh38, chr10:12,081,507, plus strand): 5'-ATTTTTAAATTTTCCCCTGATTTAGTTGATCATGGCCTTGCCAGGTTGGTGACAGTATAT[T>C]GTGAGCATGGTCATAAAGCTGCCAAAATCAACCCCCTCTTCACCGGACAAGCCCTGCTGG-3'
Protein context (NP_061176.4, residues 54-74): HGLARLVTVY[Cys64Arg]EHGHKAAKIN